The following is an entry in ClinVar:

ClinVar aggregate classification (germline): Uncertain significance. Review status: criteria provided, multiple submitters, no conflicts (2 of 4 stars). 2 submissions from 2 submitters: Uncertain significance (2). Last evaluated 2026-09-08.

Conditions:
PAFAH1B1-related disorder. Also called: PAFAH1B1-related condition.
Inborn genetic diseases. Identifiers: MedGen C0950123, MeSH D030342.

Allele frequency attached by ClinVar (database versions not stated): TOPMed 0.00003.

Submissions (2):

PreventionGenetics, part of Exact Sciences
Classification: Uncertain significance for PAFAH1B1-related condition. Last evaluated: 2026-09-08. Review status: criteria provided, single submitter. Criteria: ACMG Guidelines, 2015. Collection method: clinical testing. Allele origin: germline.
Comment: The PAFAH1B1 c.994A>G variant is predicted to result in the amino acid substitution p.Met332Val. To our knowledge, this variant has not been reported in the literature or in a large population database (gnomAD), indicating this variant is rare. At this time, the clinical significance of this variant is uncertain due to the absence of conclusive functional and genetic evidence.

Ambry Genetics
Classification: Uncertain significance for Inborn genetic diseases. Last evaluated: 2023-12-11. Review status: criteria provided, single submitter. Criteria: Ambry Variant Classification Scheme 2023. Collection method: clinical testing. Allele origin: germline.

NM_000430.4(PAFAH1B1):c.994A>G (p.Met332Val)

Gene: PAFAH1B1 (platelet activating factor acetylhydrolase 1b regulatory subunit 1; plus strand). Cytogenetic location: 17p13.3.
Variant type: single nucleotide variant.
Coding change: c.994A>G on transcript NM_000430.4 (MANE Select); coding-DNA position 994, A replaced by G.
Protein change: p.Met332Val; replaces methionine 332 with valine.
Molecular consequence: missense variant.
Genome position (GRCh38, 1-based): chr17:2,676,598, A>G. VCF-style: chr17-2676598-A-G. GRCh37 (hg19) VCF-style: chr17-2579892-A-G.
Other names: short protein forms M332V.
Identifiers: ClinVar variation 3207998 (VCV003207998.2), dbSNP rs2069271632, ClinGen allele CA397642331.